The following is an entry in ClinVar:

ClinVar aggregate classification (germline): Uncertain significance (1 of 4 stars; one submission).

Allele frequency attached by ClinVar (database versions not stated): gnomAD exomes below 0.00001.
gnomAD v4.1: 2 of 1,202,649 alleles (0.00017%); highest among the groups gnomAD compares: Non-Finnish European, 0.00022%; no homozygotes.

Submission:

Labcorp Genetics (formerly Invitae), Labcorp
Classification: Uncertain significance. Last evaluated: 2021-03-26. Review status: criteria provided, single submitter. Criteria: Invitae Variant Classification Sherloc (09022015). Collection method: clinical testing. Allele origin: germline.
Comment: In summary, the available evidence is currently insufficient to determine the role of this variant in disease. Therefore, it has been classified as a Variant of Uncertain Significance. Algorithms developed to predict the effect of missense changes on protein structure and function output the following: SIFT: "Tolerated"; PolyPhen-2: "Benign"; Align-GVGD: "Class C0". The valine amino acid residue is found in multiple mammalian species, suggesting that this missense change does not adversely affect protein function. These predictions have not been confirmed by published functional studies and their clinical significance is uncertain. This variant has not been reported in the literature in individuals with FRMD7-related conditions. This variant is not present in population databases (ExAC no frequency). This sequence change replaces isoleucine with valine at codon 63 of the FRMD7 protein (p.Ile63Val). The isoleucine residue is moderately conserved and there is a small physicochemical difference between isoleucine and valine.

NM_194277.3(FRMD7):c.187A>G (p.Ile63Val)

Gene: FRMD7 (FERM domain containing 7; minus strand). Cytogenetic location: Xq26.2.
Variant type: single nucleotide variant.
Coding change: c.187A>G on transcript NM_194277.3 (MANE Select); coding-DNA position 187, A replaced by G.
Protein change: p.Ile63Val; replaces isoleucine 63 with valine.
Molecular consequence: missense variant.
Genome position (GRCh38, 1-based): chrX:132,099,486, T>C on the plus strand (A>G on the coding strand, the complement: FRMD7 is on the minus strand). VCF-style: chrX-132099486-T-C. GRCh37 (hg19) VCF-style: chrX-131233514-T-C.
Other names: c.187A>G, p.Ile63Val (NM_001306193.2); short protein forms I63V.
Identifiers: ClinVar variation 1472965 (VCV001472965.8), dbSNP rs2124250741, ClinGen allele CA414682023.